The following is an entry in ClinVar:

NM_003673.4(TCAP):c.211A>G (p.Met71Val)

Gene: TCAP (titin-cap; plus strand). Cytogenetic location: 17q12.
Variant type: single nucleotide variant.
Coding change: c.211A>G on transcript NM_003673.4 (MANE Select); coding-DNA position 211, A replaced by G.
Protein change: p.Met71Val; replaces methionine 71 with valine.
Molecular consequence: missense variant.
Genome position (GRCh38, 1-based): chr17:39,665,816, A>G. VCF-style: chr17-39665816-A-G. GRCh37 (hg19) VCF-style: chr17-37822069-A-G.
Other names: short protein forms M71V.
Identifiers: ClinVar variation 2946520 (VCV002946520.5), dbSNP rs764200782, ClinGen allele CA8532877.
Genomic context (GRCh38, chr17:39,665,816, plus strand): 5'-TACCACCAGCAGGGGCAGTGCCAGGTGCTGGTGCAGCGCTCGCCCTGGCTGATGATGCGG[A>G]TGGGCATCCTCGGCCGTGGGCTGCAGGAGTACCAGCTGCCCTACCAGCGGGTACTGCCGC-3'
Protein context (NP_003664.1, residues 61-81): VQRSPWLMMR[Met71Val]GILGRGLQEY

ClinVar aggregate classification (germline): Uncertain significance. Review status: criteria provided, multiple submitters, no conflicts (2 of 4 stars). 3 submissions from 3 submitters: Uncertain significance (3). Last evaluated 2025-04-14.

Conditions:
Cardiovascular phenotype. Identifiers: MedGen CN230736.
Primary familial hypertrophic cardiomyopathy (HCM). Identifiers: Orphanet 99739, MedGen C0949658, MeSH D024741, MONDO:0024573. Inheritance: Various modes of inheritance.
Hypertrophic cardiomyopathy 25 (CMH25). Also called: CARDIOMYOPATHY, FAMILIAL HYPERTROPHIC, 25. Identifiers: MedGen C4225408, MONDO:0011843, OMIM 607487.

Allele frequency attached by ClinVar (database versions not stated): ExAC 0.00005; gnomAD exomes 0.00002.

Submissions (3):

Ambry Genetics
Classification: Uncertain significance for Cardiovascular phenotype. Last evaluated: 2025-04-14. Review status: criteria provided, single submitter. Criteria: Ambry Variant Classification Scheme 2023. Collection method: clinical testing. Allele origin: germline.
Comment: The p.M71V variant (also known as c.211A>G), located in coding exon 2 of the TCAP gene, results from an A to G substitution at nucleotide position 211. The methionine at codon 71 is replaced by valine, an amino acid with highly similar properties. This amino acid position is conserved. In addition, this alteration is predicted to be tolerated by in silico analysis. Based on the available evidence, the clinical significance of this variant remains unclear.

Labcorp Genetics (formerly Invitae), Labcorp
Classification: Uncertain significance for Hypertrophic cardiomyopathy 25; Primary familial hypertrophic cardiomyopathy. Last evaluated: 2025-01-06. Review status: criteria provided, single submitter. Criteria: Invitae Variant Classification Sherloc (09022015). Collection method: clinical testing. Allele origin: germline.
Comment: This sequence change replaces methionine, which is neutral and non-polar, with valine, which is neutral and non-polar, at codon 71 of the TCAP protein (p.Met71Val). This variant is present in population databases (rs764200782, gnomAD 0.005%). This variant has not been reported in the literature in individuals affected with TCAP-related conditions. ClinVar contains an entry for this variant (Variation ID: 2946520). An algorithm developed to predict the effect of missense changes on protein structure and function (PolyPhen-2) suggests that this variant is likely to be tolerated. In summary, the available evidence is currently insufficient to determine the role of this variant in disease. Therefore, it has been classified as a Variant of Uncertain Significance.

Clinical Genetics Laboratory, Skane University Hospital Lund
Classification: Uncertain significance. Last evaluated: 2022-05-27. Review status: criteria provided, single submitter. Criteria: ACMG Guidelines, 2015. Collection method: clinical testing. Allele origin: germline. Affected: yes.